The following is an entry in ClinVar:

ClinVar aggregate classification (germline): Uncertain significance. Review status: criteria provided, multiple submitters, no conflicts (2 of 4 stars). 4 submissions from 4 submitters: Uncertain significance (4). Last evaluated 2026-06-01.

Conditions:
RYR1-related disorder. Also called: RYR1-related condition; RYR1-related disorders. Identifiers: MedGen CN239331.
Malignant hyperthermia, susceptibility to, 1 (MHS1). Also called: RYR1-Related Malignant Hyperthermia Susceptibility; Malignant hyperthermia suceptibility 1; Anesthesia related hyperthermia; Malignant hyperpyrexia; Fulminating hyperpyrexia; Pharmacogenic myopathy. Identifiers: Orphanet 423, MedGen C2930980, MONDO:0007783, OMIM 145600.

Allele frequency attached by ClinVar (database versions not stated): gnomAD 0.00002 and 0.00003; TOPMed 0.00003.
gnomAD v4.1: 29 of 1,606,662 alleles (0.0018%); highest among the groups gnomAD compares: East Asian, 0.014%; no homozygotes.

Submissions (4):

CeGaT Center for Human Genetics Tuebingen
Classification: Uncertain significance. Last evaluated: 2026-06-01. Review status: criteria provided, single submitter. Criteria: CeGaT Center For Human Genetics Tuebingen Variant Classification Criteria Version 2. Collection method: clinical testing. Allele origin: germline. Affected: yes. Observed: 1 variant allele.
Comment: RYR1: PM2

Labcorp Genetics (formerly Invitae), Labcorp
Classification: Uncertain significance for RYR1-related disorder. Last evaluated: 2025-10-23. Review status: criteria provided, single submitter. Criteria: Invitae Variant Classification Sherloc (09022015). Collection method: clinical testing. Allele origin: germline.
Comment: This sequence change replaces arginine, which is basic and polar, with tryptophan, which is neutral and slightly polar, at codon 3395 of the RYR1 protein (p.Arg3395Trp). The frequency data for this variant in the population databases is considered unreliable, as metrics indicate poor data quality at this position in the gnomAD database. This variant has not been reported in the literature in individuals affected with RYR1-related conditions. ClinVar contains an entry for this variant (Variation ID: 224397). Invitae Evidence Modeling of protein sequence and biophysical properties (such as structural, functional, and spatial information, amino acid conservation, physicochemical variation, residue mobility, and thermodynamic stability) indicates that this missense variant is not expected to disrupt RYR1 protein function with a negative predictive value of 80%. In summary, the available evidence is currently insufficient to determine the role of this variant in disease. Therefore, it has been classified as a Variant of Uncertain Significance.

Color Diagnostics, LLC DBA Color Health
Classification: Uncertain significance for Malignant hyperthermia, susceptibility to, 1. Last evaluated: 2024-04-18. Review status: criteria provided, single submitter. Criteria: ACMG Guidelines, 2015. Collection method: clinical testing. Allele origin: germline.
Comment: This missense variant replaces arginine with tryptophan at codon 3395 of the RYR1 protein. Computational prediction is inconclusive regarding the impact of this variant on protein structure and function. To our knowledge, functional studies have not been reported for this variant. This variant has not been reported in individuals affected with RYR1-related disorders in the literature. This variant has been identified in 2/233658 chromosomes in the general population by the Genome Aggregation Database (gnomAD). The available evidence is insufficient to determine the role of this variant in disease conclusively. Therefore, this variant is classified as a Variant of Uncertain Significance.

Biesecker Lab/Clinical Genomics Section, National Institutes of Health
Classification: Uncertain significance for Malignant hyperthermia, susceptibility to, 1. Last evaluated: 2013-07-01. Review status: criteria provided, single submitter. Criteria: Gonsalves et al. 2013. Collection method: research. Allele origin: unknown. Observed: 1 variant allele. Study: ClinSeq.
Comment: The study set was not selected for affection status in relation to any myopathy. Pathogenicity categories were based on literature curation. See Pubmed ID: 24195946 for details.

NM_000540.3(RYR1):c.10183C>T (p.Arg3395Trp)

Gene: RYR1 (ryanodine receptor 1; plus strand). Cytogenetic location: 19q13.2.
Variant type: single nucleotide variant.
Coding change: c.10183C>T on transcript NM_000540.3 (MANE Select); coding-DNA position 10183, C replaced by T.
Protein change: p.Arg3395Trp; replaces arginine 3395 with tryptophan.
Molecular consequence: missense variant.
Genome position (GRCh38, 1-based): chr19:38,519,378, C>T. VCF-style: chr19-38519378-C-T. GRCh37 (hg19) VCF-style: chr19-39010018-C-T.
Other names: c.10183C>T, p.Arg3395Trp (NM_001042723.2); short protein forms R3395W.
Identifiers: ClinVar variation 224397 (VCV000224397.9), dbSNP rs761996554, ClinGen allele CA052520.
Genomic context (GRCh38, chr19:38,519,378, plus strand): 5'-GAGGAGGAGCAGCTGCGCCTGGAGGCCAAGGCGGAGGCCCAGGAGGGCGAGCTGCTGGTG[C>T]GGGACGAGTTCTCTGTGCTCTGCCGGGACCTCTACGCCCTGTATCCGCTGCTCATCCGCT-3'
Protein context (NP_000531.2, residues 3385-3405): AEAQEGELLV[Arg3395Trp]DEFSVLCRDL